The following is an entry in ClinVar:

NM_030665.4(RAI1):c.1440C>T (p.His480=)

Gene: RAI1 (retinoic acid induced 1; plus strand). Cytogenetic location: 17p11.2.
Variant type: single nucleotide variant.
Coding change: c.1440C>T on transcript NM_030665.4 (MANE Select); coding-DNA position 1440, C replaced by T.
Protein change: p.His480=; no amino-acid change (histidine 480 retained).
Molecular consequence: synonymous variant.
Genome position (GRCh38, 1-based): chr17:17,794,388, C>T. VCF-style: chr17-17794388-C-T. GRCh37 (hg19) VCF-style: chr17-17697702-C-T.
Identifiers: ClinVar variation 4990028 (VCV004990028.1).

ClinVar aggregate classification (germline): Likely benign (1 of 4 stars; one submission).

Conditions:
RAI1-related disorder. Also called: RAI1-related condition.

gnomAD v4.1: 3 of 1,613,228 alleles (0.00019%); highest among the groups gnomAD compares: African/African-American, 0.0027%; no homozygotes.

Submission:

PreventionGenetics, part of Exact Sciences
Classification: Likely benign for RAI1-related condition. Last evaluated: 2025-09-11. Review status: criteria provided, single submitter. Criteria: ACMG Guidelines, 2015. Collection method: clinical testing. Allele origin: germline.
Comment: This variant is classified as likely benign based on ACMG/AMP sequence variant interpretation guidelines (Richards et al. 2015 PMID: 25741868, with internal and published modifications).